The following is an entry in ClinVar:

ClinVar aggregate classification (germline): Uncertain significance (1 of 4 stars; one submission).

Submission:

GeneDx
Classification: Uncertain significance. Last evaluated: 2022-03-31. Review status: criteria provided, single submitter. Criteria: GeneDx Variant Classification Process June 2021. Collection method: clinical testing. Allele origin: germline. Affected: yes.
Comment: Not observed at significant frequency in large population cohorts (gnomAD); In silico analysis supports that this missense variant does not alter protein structure/function; Has not been previously published as pathogenic or benign to our knowledge

NM_014795.4(ZEB2):c.3341A>G (p.Gln1114Arg)

Gene: ZEB2 (zinc finger E-box binding homeobox 2; minus strand). Cytogenetic location: 2q22.3.
Variant type: single nucleotide variant.
Coding change: c.3341A>G on transcript NM_014795.4 (MANE Select); coding-DNA position 3341, A replaced by G.
Protein change: p.Gln1114Arg; replaces glutamine 1114 with arginine.
Molecular consequence: missense variant.
Genome position (GRCh38, 1-based): chr2:144,389,755, T>C on the plus strand (A>G on the coding strand, the complement: ZEB2 is on the minus strand). VCF-style: chr2-144389755-T-C. GRCh37 (hg19) VCF-style: chr2-145147322-T-C.
Other names: c.3269A>G, p.Gln1090Arg (NM_001171653.2); short protein forms Q1090R, Q1114R.
Identifiers: ClinVar variation 1707821 (VCV001707821.2), dbSNP rs2549101815, ClinGen allele CA348699577.
Genomic context (GRCh38, chr2:144,389,755, plus strand): 5'-CCATCCCTCGGCATACTCTCCCTCTCCTCCGAGTCAGAGTACCCCTGAGGGGTAATGCTC[T>C]GCAAGTAAGCCCGGTTCATCAGCAGCTCGGTGGGTTCCAAGTGCCCTTTCTCGCGCGCCT-3'
Protein context (NP_055610.1, residues 1104-1124): TELLMNRAYL[Gln1114Arg]SITPQGYSDS